The following is an entry in ClinVar:

ClinVar aggregate classification (germline): Uncertain significance. Review status: criteria provided, multiple submitters, no conflicts (2 of 4 stars). 2 submissions from 2 submitters: Uncertain significance (2). Last evaluated 2025-03-20.

Conditions:
CFTR-related disorder (CFTR-RD). Also called: CFTR-related disorders; CFTR-related condition. Identifiers: MedGen C5924204, MONDO:7770004.
Cystic fibrosis (CF). Also called: MUCOVISCIDOSIS. Identifiers: Orphanet 586, MedGen C0010674, MONDO:0009061, OMIM 219700. Disease mechanism: loss of function.

Allele frequency attached by ClinVar (database versions not stated): gnomAD 0.00001.
gnomAD v4.1: 1 of 1,611,102 alleles (0.000062%); highest among the groups gnomAD compares: African/African-American, 0.0013%; no homozygotes.

Submissions (2):

Ambry Genetics
Classification: Uncertain significance for Cystic fibrosis. Last evaluated: 2025-03-20. Review status: criteria provided, single submitter. Criteria: Ambry Variant Classification Scheme 2023. Collection method: clinical testing. Allele origin: germline.
Comment: The p.D537G variant (also known as c.1610A>G), located in coding exon 12 of the CFTR gene, results from an A to G substitution at nucleotide position 1610. The aspartic acid at codon 537 is replaced by glycine, an amino acid with similar properties. This amino acid position is conserved. In addition, this alteration is predicted to be deleterious by in silico analysis. Since supporting evidence is limited at this time, the clinical significance of this alteration remains unclear.

PreventionGenetics, part of Exact Sciences
Classification: Uncertain significance for CFTR-related condition. Last evaluated: 2023-08-29. Review status: criteria provided, single submitter. Criteria: ACMG Guidelines, 2015. Collection method: clinical testing. Allele origin: germline.
Comment: The CFTR c.1610A>G variant is predicted to result in the amino acid substitution p.Asp537Gly. To our knowledge, this variant has not been reported in the literature or in a large population database, indicating this variant is rare. At this time, the clinical significance of this variant is uncertain due to the absence of conclusive functional and genetic evidence.

NM_000492.4(CFTR):c.1610A>G (p.Asp537Gly)

Genes: CFTR (CF transmembrane conductance regulator; plus strand), LOC111674475 (CFTR intron 11 enhancer; plus strand). Cytogenetic location: 7q31.2.
Variant type: single nucleotide variant.
Coding change: c.1610A>G on transcript NM_000492.4 (MANE Select); coding-DNA position 1610, A replaced by G.
Protein change: p.Asp537Gly; replaces aspartic acid 537 with glycine.
Molecular consequence: missense variant.
Genome position (GRCh38, 1-based): chr7:117,587,764, A>G. VCF-style: chr7-117587764-A-G. GRCh37 (hg19) VCF-style: chr7-117227818-A-G.
Other names: short protein forms D537G.
Identifiers: ClinVar variation 2447411 (VCV002447411.4), dbSNP rs1791964460, ClinGen allele CA368975928.